The following is an entry in ClinVar:

ClinVar aggregate classification (germline): Likely benign. Review status: criteria provided, multiple submitters, no conflicts (2 of 4 stars). 2 submissions from 2 submitters: Likely benign (2). Last evaluated 2025-10-22.

Conditions:
SP7-related disorder. Also called: SP7-related condition.

Allele frequency attached by ClinVar (database versions not stated): ESP Exome Variant Server 0.00016; gnomAD 0.00019 and 0.00024; gnomAD exomes 0.00022 and 0.00042; TOPMed 0.00026; ExAC 0.00047; 1000 Genomes Project 30x 0.00078; 1000 Genomes Project 0.00100.
gnomAD v4.1: 354 of 1,613,968 alleles (0.022%); highest among the groups gnomAD compares: East Asian, 0.45%; 1 homozygote.

Submissions (2):

PreventionGenetics, part of Exact Sciences
Classification: Likely benign for SP7-related condition. Last evaluated: 2025-10-22. Review status: criteria provided, single submitter. Criteria: ACMG Guidelines, 2015. Collection method: clinical testing. Allele origin: germline.
Comment: This variant is classified as likely benign based on ACMG/AMP sequence variant interpretation guidelines (Richards et al. 2015 PMID: 25741868, with internal and published modifications).

Labcorp Genetics (formerly Invitae), Labcorp
Classification: Likely benign. Last evaluated: 2025-09-04. Review status: criteria provided, single submitter. Criteria: Invitae Variant Classification Sherloc (09022015). Collection method: clinical testing. Allele origin: germline.

NM_001173467.3(SP7):c.68C>T (p.Ala23Val)

Gene: SP7 (Sp7 transcription factor; minus strand). Cytogenetic location: 12q13.13.
Variant type: single nucleotide variant.
Coding change: c.68C>T on transcript NM_001173467.3 (MANE Select); coding-DNA position 68, C replaced by T.
Protein change: p.Ala23Val; replaces alanine 23 with valine.
Molecular consequence: missense variant.
Genome position (GRCh38, 1-based): chr12:53,329,374, G>A on the plus strand (C>T on the coding strand, the complement: SP7 is on the minus strand). VCF-style: chr12-53329374-G-A. GRCh37 (hg19) VCF-style: chr12-53723158-G-A.
Other names: c.14C>T, p.Ala5Val (NM_001300837.2); c.68C>T, p.Ala23Val (NM_152860.2); short protein forms A5V, A23V.
Identifiers: ClinVar variation 731363 (VCV000731363.9), dbSNP rs188929035, ClinGen allele CA6599624.
Genomic context (GRCh38, chr12:53,329,374, plus strand): 5'-CCTGCTTTGCCCAGAGTTGTTGAGTCCCGCAGAGGGCTAGAGCCACCAAATTTGCTGCAC[G>A]CTGCCGTCAGCATGGCCAGGGGACTGGAGCCATAGTGAACTTCCTCCTGTGGAAAGAGGG-3'
Protein context (NP_001166938.1, residues 13-33): GSSPLAMLTA[Ala23Val]CSKFGGSSPL